The following is an entry in ClinVar:

ClinVar aggregate classification (germline): Uncertain significance (1 of 4 stars; one submission).

Submission:

Labcorp Genetics (formerly Invitae), Labcorp
Classification: Uncertain significance. Last evaluated: 2022-05-14. Review status: criteria provided, single submitter. Criteria: Invitae Variant Classification Sherloc (09022015). Collection method: clinical testing. Allele origin: germline.
Comment: In summary, the available evidence is currently insufficient to determine the role of this variant in disease. Therefore, it has been classified as a Variant of Uncertain Significance. Algorithms developed to predict the effect of missense changes on protein structure and function output the following: SIFT: "Deleterious"; PolyPhen-2: "Benign"; Align-GVGD: "Class C0". The serine amino acid residue is found in multiple mammalian species, which suggests that this missense change does not adversely affect protein function. This variant has not been reported in the literature in individuals affected with PLCE1-related conditions. This variant is not present in population databases (gnomAD no frequency). This sequence change replaces asparagine, which is neutral and polar, with serine, which is neutral and polar, at codon 1800 of the PLCE1 protein (p.Asn1800Ser).

NM_016341.4(PLCE1):c.5399A>G (p.Asn1800Ser)

Gene: PLCE1 (phospholipase C epsilon 1; plus strand). Cytogenetic location: 10q23.33.
Variant type: single nucleotide variant.
Coding change: c.5399A>G on transcript NM_016341.4 (MANE Select); coding-DNA position 5399, A replaced by G.
Protein change: p.Asn1800Ser; replaces asparagine 1800 with serine.
Molecular consequence: missense variant.
Genome position (GRCh38, 1-based): chr10:94,298,610, A>G. VCF-style: chr10-94298610-A-G. GRCh37 (hg19) VCF-style: chr10-96058367-A-G.
Other names: c.4475A>G, p.Asn1492Ser (NM_001165979.2); c.5351A>G, p.Asn1784Ser (NM_001288989.2); short protein forms N1492S, N1784S, N1800S.
Identifiers: ClinVar variation 1994360 (VCV001994360.4), dbSNP rs2497133921, ClinGen allele CA377642143.
Genomic context (GRCh38, chr10:94,298,610, plus strand): 5'-CCGCCTGTCAGCTGCTGAGAACTTACCCTGCTGCCACCCGCATCGACTCTTCCAACCCGA[A>G]CCCCCTCATGTTCTGGCTCCATGGGATACAGCTTGTGGCACTCAACTACCAGACTGATGG-3'
Protein context (NP_057425.3, residues 1790-1810): AATRIDSSNP[Asn1800Ser]PLMFWLHGIQ